The following is an entry in ClinVar:

NM_001868.4(CPA1):c.811T>G (p.Cys271Gly)

Gene: CPA1 (carboxypeptidase A1; plus strand). Cytogenetic location: 7q32.2.
Variant type: single nucleotide variant.
Coding change: c.811T>G on transcript NM_001868.4 (MANE Select); coding-DNA position 811, T replaced by G.
Protein change: p.Cys271Gly; replaces cysteine 271 with glycine.
Molecular consequence: missense variant.
Genome position (GRCh38, 1-based): chr7:130,385,169, T>G. VCF-style: chr7-130385169-T-G. GRCh37 (hg19) VCF-style: chr7-130025010-T-G.
Other names: short protein forms C271G.
Identifiers: ClinVar variation 1762089 (VCV001762089.3), dbSNP rs2536012057, ClinGen allele CA369283271.

ClinVar aggregate classification (germline): Uncertain significance (1 of 4 stars; one submission).

Conditions:
Hereditary pancreatitis (PCTT). Also called: PRSS1-Related Hereditary Pancreatitis; Hereditary chronic pancreatitis. Identifiers: Orphanet 676, MedGen C0238339, MONDO:0008185, OMIM 167800.

Submission:

Ambry Genetics
Classification: Uncertain significance for Hereditary pancreatitis. Last evaluated: 2025-09-20. Review status: criteria provided, single submitter. Criteria: Ambry Variant Classification Scheme 2023. Collection method: clinical testing. Allele origin: germline.
Comment: The p.C271G variant (also known as c.811T>G), located in coding exon 8 of the CPA1 gene, results from a T to G substitution at nucleotide position 811. The cysteine at codon 271 is replaced by glycine, an amino acid with highly dissimilar properties. This amino acid position is conserved. In addition, the in silico prediction for this alteration is inconclusive. Since supporting evidence is limited at this time, the clinical significance of this alteration remains unclear.